The following is an entry in ClinVar:

NM_004484.4(GPC3):c.1307del (p.Ala436fs)

Gene: GPC3 (glypican 3; minus strand). Cytogenetic location: Xq26.2.
Variant type: Deletion.
Coding change: c.1307del on transcript NM_004484.4 (MANE Select); coding-DNA position 1307, one base deleted (C; older notation c.1307delC).
Protein change: p.Ala436fs; shifts the reading frame from alanine 436.
Molecular consequence: frameshift variant.
Genome position (GRCh38, 1-based): chrX:133,661,836, G deleted on the plus strand (C on the coding strand, the reverse complement: GPC3 is on the minus strand). VCF-style (leftmost placement, unchanged base first): chrX-133661835-TG-T. GRCh37 (hg19) VCF-style: chrX-132795863-TG-T.
Other names: c.1307delC (NM_004484.3); c.1376del, p.Ala459fs (NM_001164617.2); c.1259del, p.Ala420fs (NM_001164618.2); c.1145del, p.Ala382fs (NM_001164619.2); short protein forms A420fs, A436fs, A459fs, A382fs.
Identifiers: ClinVar variation 575598 (VCV000575598.7), dbSNP rs1569408743, ClinGen allele CA891844217.
Genomic context (GRCh38, chrX:133,661,835, plus strand): 5'-CTCAGGGCCCTTCATTTTCAGCTCATGGAGATTGAACTGGTTTTTCATTCCATTCCTTGC[TG>T]CCTTTTGGCTGTATCTGTAAAGGTGAAGGTAAAGAAAAGGTTTGTCAAAGAAAGTCCCAA-3'

ClinVar aggregate classification (germline): Pathogenic (1 of 4 stars; one submission).

Conditions:
Wilms tumor 1 (WT1). Also called: Wilms tumor, somatic. Identifiers: Orphanet 654, MedGen CN033288, MONDO:0008679, OMIM 194070.

Submission:

Labcorp Genetics (formerly Invitae), Labcorp
Classification: Pathogenic for Wilms tumor 1. Last evaluated: 2018-04-28. Review status: criteria provided, single submitter. Criteria: Invitae Variant Classification Sherloc (09022015). Collection method: clinical testing. Allele origin: germline.
Comment: This variant is not present in population databases (ExAC no frequency). For these reasons, this variant has been classified as Pathogenic. Loss-of-function variants in GPC3 are known to be pathogenic (PMID: 12713262, 17603795). This variant has not been reported in the literature in individuals with GPC3-related disease. This sequence change creates a premature translational stop signal (p.Ala436Glufs*6) in the GPC3 gene. It is expected to result in an absent or disrupted protein product.

Literature cited by the submitters: PubMed 12713262; PubMed 17603795.